The following is an entry in ClinVar:

ClinVar aggregate classification (germline): Uncertain significance (1 of 4 stars; one submission).

gnomAD v4.1: 1 of 1,211,757 alleles (0.000083%); highest among the groups gnomAD compares: Non-Finnish European, 0.00011%; no homozygotes.

Submission:

Labcorp Genetics (formerly Invitae), Labcorp
Classification: Uncertain significance. Last evaluated: 2025-05-27. Review status: criteria provided, single submitter. Criteria: Invitae Variant Classification Sherloc (09022015). Collection method: clinical testing. Allele origin: germline.
Comment: This sequence change replaces proline, which is neutral and non-polar, with threonine, which is neutral and polar, at codon 801 of the AMER1 protein (p.Pro801Thr). This variant is not present in population databases (gnomAD no frequency). This variant has not been reported in the literature in individuals affected with AMER1-related conditions. An algorithm developed to predict the effect of missense changes on protein structure and function (PolyPhen-2) suggests that this variant is likely to be disruptive. In summary, the available evidence is currently insufficient to determine the role of this variant in disease. Therefore, it has been classified as a Variant of Uncertain Significance.

NM_152424.4(AMER1):c.2401C>A (p.Pro801Thr)

Gene: AMER1 (APC membrane recruitment protein 1; minus strand). Cytogenetic location: Xq11.2.
Variant type: single nucleotide variant.
Coding change: c.2401C>A on transcript NM_152424.4 (MANE Select); coding-DNA position 2401, C replaced by A.
Protein change: p.Pro801Thr; replaces proline 801 with threonine.
Molecular consequence: missense variant.
Genome position (GRCh38, 1-based): chrX:64,190,886, G>T on the plus strand (C>A on the coding strand, the complement: AMER1 is on the minus strand). VCF-style: chrX-64190886-G-T. GRCh37 (hg19) VCF-style: chrX-63410766-G-T.
Other names: short protein forms P801T.
Identifiers: ClinVar variation 4771281 (VCV004771281.1).